The following is an entry in ClinVar:

NM_000059.4(BRCA2):c.317-1875G>A

Gene: BRCA2 (BRCA2 DNA repair associated; plus strand). Cytogenetic location: 13q13.1.
Variant type: single nucleotide variant.
Coding change: c.317-1875G>A on transcript NM_000059.4 (MANE Select); 1875 bases into the intron before coding-DNA position 317, G replaced by A.
Molecular consequence: intron variant.
Genome position (GRCh38, 1-based): chr13:32,323,201, G>A. VCF-style: chr13-32323201-G-A. GRCh37 (hg19) VCF-style: chr13-32897338-G-A.
Other names: IVS 3-1875G>A.
Identifiers: ClinVar variation 209637 (VCV000209637.1), dbSNP rs55953893, ClinGen allele CA276606.

ClinVar aggregate classification (germline): Benign (3 of 4 stars; one submission).

Conditions:
Breast-ovarian cancer, familial, susceptibility to, 2 (BROVCA2). Also called: BRCA2 Hereditary Breast and Ovarian Cancer. Identifiers: Orphanet 145, MedGen C2675520, MONDO:0012933, OMIM 612555. Disease mechanism: loss of function.

Allele frequency attached by ClinVar (database versions not stated): gnomAD 0.01449 and 0.01468; TOPMed 0.01904; 1000 Genomes Project 0.01997; 1000 Genomes Project 30x 0.02046.

Submission:

Evidence-based Network for the Interpretation of Germline Mutant Alleles (ENIGMA)
Classification: Benign for Breast-ovarian cancer, familial 2. Last evaluated: 2015-01-12. Review status: reviewed by expert panel. Criteria: ENIGMA BRCA1/2 Classification Criteria (2015). Collection method: curation. Allele origin: germline.
Comment: Class 1 not pathogenic based on frequency >1% in an outbred sampleset. Frequency 0.01715 (European), derived from 1000 genomes (2012-04-30).